The following is an entry in ClinVar:

NM_198578.4(LRRK2):c.209C>T (p.Ser70Phe)

Gene: LRRK2 (leucine rich repeat kinase 2; plus strand). Cytogenetic location: 12q12.
Variant type: single nucleotide variant.
Coding change: c.209C>T on transcript NM_198578.4 (MANE Select); coding-DNA position 209, C replaced by T.
Protein change: p.Ser70Phe; replaces serine 70 with phenylalanine.
Molecular consequence: missense variant.
Genome position (GRCh38, 1-based): chr12:40,225,612, C>T. VCF-style: chr12-40225612-C-T. GRCh37 (hg19) VCF-style: chr12-40619414-C-T.
Other names: short protein forms S70F.
Identifiers: ClinVar variation 2453137 (VCV002453137.2), dbSNP rs1555171842, ClinGen allele CA384399312.

ClinVar aggregate classification (germline): Uncertain significance (1 of 4 stars; one submission).

Conditions:
Inborn genetic diseases. Identifiers: MedGen C0950123, MeSH D030342.

Submission:

Ambry Genetics
Classification: Uncertain significance for Inborn genetic diseases. Last evaluated: 2023-03-02. Review status: criteria provided, single submitter. Criteria: Ambry Variant Classification Scheme 2023. Collection method: clinical testing. Allele origin: germline.
Comment: The p.S70F variant (also known as c.209C>T), located in coding exon 2 of the LRRK2 gene, results from a C to T substitution at nucleotide position 209. The serine at codon 70 is replaced by phenylalanine, an amino acid with highly dissimilar properties. This amino acid position is conserved. In addition, this alteration is predicted to be tolerated by in silico analysis. Since supporting evidence is limited at this time, the clinical significance of this alteration remains unclear.